The following is an entry in ClinVar:

NM_001365999.1(SZT2):c.8664G>C (p.Glu2888Asp)

Gene: SZT2 (SZT2 subunit of KICSTOR complex; plus strand). Cytogenetic location: 1p34.2.
Variant type: single nucleotide variant.
Coding change: c.8664G>C on transcript NM_001365999.1 (MANE Select); coding-DNA position 8664, G replaced by C.
Protein change: p.Glu2888Asp; replaces glutamic acid 2888 with aspartic acid.
Molecular consequence: missense variant.
Genome position (GRCh38, 1-based): chr1:43,443,635, G>C. VCF-style: chr1-43443635-G-C. GRCh37 (hg19) VCF-style: chr1-43909306-G-C.
Other names: c.8493G>C, p.Glu2831Asp (NM_015284.4); short protein forms E2831D, E2888D.
Identifiers: ClinVar variation 657965 (VCV000657965.8), dbSNP rs754369695, ClinGen allele CA810649.
Genomic context (GRCh38, chr1:43,443,635, plus strand): 5'-TCCTTGATCTTTACTCTCATAGCGGCGCCATCGCCCTGAGTCAGGGTCTGGGAGCCGAGA[G>C]GCCCCCACAAGCTGTGAATCCTTGGATGTGTCGCCCCCGGGAGCCCGTGAGGAGCCTTGG-3'
Protein context (NP_001352928.1, residues 2878-2898): HRPESGSGSR[Glu2888Asp]APTSCESLDV

ClinVar aggregate classification (germline): Uncertain significance (1 of 4 stars; one submission).

Allele frequency attached by ClinVar (database versions not stated): TOPMed below 0.00001; ExAC 0.00001; gnomAD 0.00001.
gnomAD v4.1: 4 of 1,614,092 alleles (0.00025%); highest among the groups gnomAD compares: South Asian, 0.0011%; no homozygotes.

Submission:

Labcorp Genetics (formerly Invitae), Labcorp
Classification: Uncertain significance. Last evaluated: 2018-11-14. Review status: criteria provided, single submitter. Criteria: Invitae Variant Classification Sherloc (09022015). Collection method: clinical testing. Allele origin: germline.
Comment: This variant has not been reported in the literature in individuals with SZT2-related disease. In summary, the available evidence is currently insufficient to determine the role of this variant in disease. Therefore, it has been classified as a Variant of Uncertain Significance. Algorithms developed to predict the effect of missense changes on protein structure and function (SIFT, PolyPhen-2, Align-GVGD) all suggest that this variant is likely to be tolerated, but these predictions have not been confirmed by published functional studies and their clinical significance is uncertain. This variant is present in population databases (rs754369695, ExAC 0.006%). This sequence change replaces glutamic acid with aspartic acid at codon 2831 of the SZT2 protein (p.Glu2831Asp). The glutamic acid residue is highly conserved and there is a small physicochemical difference between glutamic acid and aspartic acid.